The following is an entry in ClinVar:

ClinVar aggregate classification (germline): Benign/Likely benign. Review status: criteria provided, multiple submitters, no conflicts (2 of 4 stars). 5 submissions from 5 submitters: Benign (3); Likely benign (1). 1 of the submissions does not count toward it. Last evaluated 2026-01-24.

Conditions:
FREM1-related disorder. Also called: FREM1-related condition; FREM1-Related Disorders.
Oculotrichoanal syndrome (MOTA). Also called: MARLES SYNDROME; Manitoba Oculotrichoanal (MOTA) Syndrome. Identifiers: Orphanet 2717, MedGen C1855425, MONDO:0009560, OMIM 248450.

Allele frequency attached by ClinVar (database versions not stated): gnomAD exomes 0.00198; ExAC 0.00237; gnomAD 0.00811 and 0.00859; ESP Exome Variant Server 0.00860; TOPMed 0.00918; 1000 Genomes Project 0.00919; 1000 Genomes Project 30x 0.00953.
gnomAD v4.1: 2,376 of 1,613,844 alleles (0.15%); highest among the groups gnomAD compares: African/African-American, 2.8%; 36 homozygotes.

Submissions (5):

Labcorp Genetics (formerly Invitae), Labcorp
Classification: Benign. Last evaluated: 2026-01-24. Review status: criteria provided, single submitter. Criteria: Invitae Variant Classification Sherloc (09022015). Collection method: clinical testing. Allele origin: germline.

Mayo Clinic Laboratories, Mayo Clinic
Classification: Likely benign. Last evaluated: 2025-06-19. Review status: criteria provided, single submitter. Criteria: ACMG Guidelines, 2015. Collection method: clinical testing. Allele origin: germline. Observed: 1 variant allele.
Comment: BS1, BP4, BP7

Illumina Laboratory Services, Illumina
Classification: Benign for Oculotrichoanal syndrome. Last evaluated: 2018-01-12. Review status: criteria provided, single submitter. Criteria: ICSL Variant Classification Criteria 13 December 2019. Collection method: clinical testing. Allele origin: germline.
Comment: This variant was observed in the ICSL laboratory as part of a predisposition screen in an ostensibly healthy population. It had not been previously curated by ICSL or reported in the Human Gene Mutation Database (HGMD: prior to June 1st, 2018), and was therefore a candidate for classification through an automated scoring system. Utilizing variant allele frequency, disease prevalence and penetrance estimates, and inheritance mode, an automated score was calculated to assess if this variant is too frequent to cause the disease. Based on the score and internal cut-off values, a variant classified as benign is not then subjected to further curation. The score for this variant resulted in a classification of benign for this disease.

Breakthrough Genomics
Classification: Benign. Review status: criteria provided, single submitter. Criteria: ACMG Guidelines, 2015. Collection method: not provided. Allele origin: germline. Inheritance: Autosomal recessive inheritance. Affected: yes.

PreventionGenetics, part of Exact Sciences
Classification: Benign for FREM1-related condition. Last evaluated: 2019-07-24. Review status: no assertion criteria provided. Collection method: clinical testing. Allele origin: germline. Not counted in ClinVar's aggregate classification.
Comment: This variant is classified as benign based on ACMG/AMP sequence variant interpretation guidelines (Richards et al. 2015 PMID: 25741868, with internal and published modifications).

NM_001379081.2(FREM1):c.1047G>A (p.Leu349=)

Gene: FREM1 (FRAS1 related extracellular matrix 1; minus strand). Cytogenetic location: 9p22.3.
Variant type: single nucleotide variant.
Coding change: c.1047G>A on transcript NM_001379081.2 (MANE Select); coding-DNA position 1047, G replaced by A.
Protein change: p.Leu349=; no amino-acid change (leucine 349 retained).
Molecular consequence: synonymous variant. On other transcripts: non-coding transcript variant (4).
Genome position (GRCh38, 1-based): chr9:14,851,389, C>T on the plus strand (G>A on the coding strand, the complement: FREM1 is on the minus strand). VCF-style: chr9-14851389-C-T. GRCh37 (hg19) VCF-style: chr9-14851387-C-T.
Other names: p.Leu349=; c.1074G>A, p.Leu358= (NM_001370060.1); c.1047G>A, p.Leu349= (NM_001370063.1, NM_001370065.1, NM_144966.7).
Identifiers: ClinVar variation 366163 (VCV000366163.17), dbSNP rs115701214, ClinGen allele CA4991382.